The following is an entry in ClinVar:

NM_000393.5(COL5A2):c.3119A>G (p.Asn1040Ser)

Gene: COL5A2 (collagen type V alpha 2 chain; minus strand). Cytogenetic location: 2q32.2.
Variant type: single nucleotide variant.
Coding change: c.3119A>G on transcript NM_000393.5 (MANE Select); coding-DNA position 3119, A replaced by G.
Protein change: p.Asn1040Ser; replaces asparagine 1040 with serine.
Molecular consequence: missense variant.
Genome position (GRCh38, 1-based): chr2:189,049,375, T>C on the plus strand (A>G on the coding strand, the complement: COL5A2 is on the minus strand). VCF-style: chr2-189049375-T-C. GRCh37 (hg19) VCF-style: chr2-189914101-T-C.
Other names: short protein forms N1040S.
Identifiers: ClinVar variation 333137 (VCV000333137.9), dbSNP rs773168254, ClinGen allele CA2022108.
Genomic context (GRCh38, chr2:189,049,375, plus strand): 5'-AAGAGAAGAGTTATTTTCACTGTAGTACTCACTTCTGGTCCAGGTTCCCCTACAGGACCA[T>C]TGGAGCCTGGGGGCCCCACAGGTCCAGGTGGACCTTTATCTCCTGTTGCACCAGTTGGTC-3'
Protein context (NP_000384.2, residues 1030-1050): PPGPVGPPGS[Asn1040Ser]GPVGEPGPEG

ClinVar aggregate classification (germline): Likely benign. Review status: criteria provided, multiple submitters, no conflicts (2 of 4 stars). 2 submissions from 2 submitters: Likely benign (2). Last evaluated 2023-02-24.

Conditions:
Ehlers-Danlos syndrome, classic type, 1 (EDSCL1). Also called: Ehlers-Danlos syndrome, type 1; EHLERS-DANLOS SYNDROME, GRAVIS TYPE; EHLERS-DANLOS SYNDROME, SEVERE CLASSIC TYPE; Ehlers-Danlos Syndrome, Classic Type, COL5A1-Related; EDS I. Identifiers: MedGen C0268335, MONDO:0019567, OMIM 130000.
Ehlers-Danlos syndrome, classic type, 2 (EDSCL2). Also called: Ehlers-Danlos syndrome, type 2; Ehlers-Danlos syndrome type 2 (formerly); Ehlers-Danlos Syndrome, Classic Type, COL5A2-Related. Identifiers: Orphanet 287, Orphanet 90318, MedGen C0268336, MONDO:0019568, OMIM 130010.

Allele frequency attached by ClinVar (database versions not stated): gnomAD exomes 0.00001 and 0.00002; TOPMed below 0.00001; ExAC 0.00002.
gnomAD v4.1: 22 of 1,613,152 alleles (0.0014%); highest among the groups gnomAD compares: South Asian, 0.011%; no homozygotes.

Submissions (2):

Labcorp Genetics (formerly Invitae), Labcorp
Classification: Likely benign for Ehlers-Danlos syndrome, classic type, 1. Last evaluated: 2023-02-24. Review status: criteria provided, single submitter. Criteria: Invitae Variant Classification Sherloc (09022015). Collection method: clinical testing. Allele origin: germline.

Illumina Laboratory Services, Illumina
Classification: Likely benign for Ehlers-Danlos syndrome, classic type, 2. Last evaluated: 2018-01-13. Review status: criteria provided, single submitter. Criteria: ICSL Variant Classification Criteria 13 December 2019. Collection method: clinical testing. Allele origin: germline.
Comment: This variant was observed in the ICSL laboratory as part of a predisposition screen in an ostensibly healthy population. It had not been previously curated by ICSL or reported in the Human Gene Mutation Database (HGMD: prior to June 1st, 2018), and was therefore a candidate for classification through an automated scoring system. Utilizing variant allele frequency, disease prevalence and penetrance estimates, and inheritance mode, an automated score was calculated to assess if this variant is too frequent to cause the disease. Based on the score and internal cut-off values, a variant classified as likely benign is not then subjected to further curation. The score for this variant resulted in a classification of likely benign for this disease.